The following is an entry in ClinVar:

NM_080732.4(EGLN2):c.526C>T (p.Arg176Cys)

Genes: EGLN2 (egl-9 family hypoxia inducible factor 2; plus strand), RAB4B-EGLN2 (RAB4B-EGLN2 readthrough (NMD candidate); plus strand). Cytogenetic location: 19q13.2.
Variant type: single nucleotide variant.
Coding change: c.526C>T on transcript NM_080732.4 (MANE Select); coding-DNA position 526, C replaced by T.
Protein change: p.Arg176Cys; replaces arginine 176 with cysteine.
Molecular consequence: missense variant. On other transcripts: non-coding transcript variant (1).
Genome position (GRCh38, 1-based): chr19:40,801,098, C>T. VCF-style: chr19-40801098-C-T. GRCh37 (hg19) VCF-style: chr19-41307003-C-T.
Other names: c.526C>T, p.Arg176Cys (NM_053046.4); short protein forms R176C.
Identifiers: ClinVar variation 1746491 (VCV001746491.2), dbSNP rs1161389937, ClinGen allele CA405955445.

ClinVar aggregate classification (germline): Uncertain significance (1 of 4 stars; one submission).

Allele frequency attached by ClinVar (database versions not stated): gnomAD exomes below 0.00001.
gnomAD v4.1: 2 of 1,612,688 alleles (0.00012%); highest among the groups gnomAD compares: Non-Finnish European, 0.00017%; no homozygotes.

Submission:

Ambry Genetics
Classification: Uncertain significance. Last evaluated: 2024-03-16. Review status: criteria provided, single submitter. Criteria: Ambry Variant Classification Scheme 2023. Collection method: clinical testing. Allele origin: germline.
Comment: The p.R176C variant (also known as c.526C>T), located in coding exon 1 of the EGLN2 gene, results from a C to T substitution at nucleotide position 526. The arginine at codon 176 is replaced by cysteine, an amino acid with highly dissimilar properties. This amino acid position is conserved. In addition, this alteration is predicted to be tolerated by in silico analysis. Since supporting evidence is limited at this time, the clinical significance of this alteration remains unclear.